The following is an entry in ClinVar:

NM_052845.4(MMAB):c.541G>A (p.Ala181Thr)

Gene: MMAB (metabolism of cobalamin associated B; minus strand). Cytogenetic location: 12q24.11.
Variant type: single nucleotide variant.
Coding change: c.541G>A on transcript NM_052845.4 (MANE Select); coding-DNA position 541, G replaced by A.
Protein change: p.Ala181Thr; replaces alanine 181 with threonine.
Molecular consequence: missense variant. On other transcripts: non-coding transcript variant (1).
Genome position (GRCh38, 1-based): chr12:109,561,083, C>T on the plus strand (G>A on the coding strand, the complement: MMAB is on the minus strand). VCF-style: chr12-109561083-C-T. GRCh37 (hg19) VCF-style: chr12-109998888-C-T.
Other names: short protein forms A181T.
Identifiers: ClinVar variation 574464 (VCV000574464.10), dbSNP rs1439180009, ClinGen allele CA386637008.

ClinVar aggregate classification (germline): Uncertain significance. Review status: criteria provided, single submitter (1 of 4 stars). 2 submissions from 2 submitters: Uncertain significance (1). 1 of the submissions does not count toward it. Last evaluated 2021-08-26.

Conditions:
Methylmalonic aciduria, cblB type (MACB). Also called: Methylmalonic acidemia cblB type; Vitamin B12-responsive methylmalonic acidemia type cblB; METHYLMALONIC ACIDURIA, VITAMIN B12-RESPONSIVE, DUE TO DEFECT IN SYNTHESIS OF ADENOSYLCOBALAMIN, cblB TYPE. Identifiers: Orphanet 28, Orphanet 79311, MedGen C1855102, MONDO:0009614, OMIM 251110.

Allele frequency attached by ClinVar (database versions not stated): gnomAD exomes below 0.00001.
gnomAD v4.1: 1 of 1,610,986 alleles (0.000062%); highest among the groups gnomAD compares: African/African-American, 0.0013%; no homozygotes.

Submissions (2):

Labcorp Genetics (formerly Invitae), Labcorp
Classification: Uncertain significance for Methylmalonic aciduria, cblB type. Last evaluated: 2021-08-26. Review status: criteria provided, single submitter. Criteria: Invitae Variant Classification Sherloc (09022015). Collection method: clinical testing. Allele origin: germline.
Comment: This sequence change replaces alanine with threonine at codon 181 of the MMAB protein (p.Ala181Thr). The alanine residue is highly conserved and there is a small physicochemical difference between alanine and threonine. This variant is not present in population databases (ExAC no frequency). This variant has not been reported in the literature in individuals affected with MMAB-related conditions. Algorithms developed to predict the effect of missense changes on protein structure and function output the following: SIFT: "Tolerated"; PolyPhen-2: "Benign"; Align-GVGD: "Class C0". The threonine amino acid residue is found in multiple mammalian species, which suggests that this missense change does not adversely affect protein function. In summary, the available evidence is currently insufficient to determine the role of this variant in disease. Therefore, it has been classified as a Variant of Uncertain Significance.

Natera, Inc.
Classification: Uncertain significance for Methylmalonic aciduria cblB type. Last evaluated: 2021-06-08. Review status: no assertion criteria provided. Collection method: clinical testing. Allele origin: germline. Not counted in ClinVar's aggregate classification.